The following is an entry in ClinVar:

NM_152594.3(SPRED1):c.770G>A (p.Arg257His)

Gene: SPRED1 (sprouty related EVH1 domain containing 1; plus strand). Cytogenetic location: 15q14.
Variant type: single nucleotide variant.
Coding change: c.770G>A on transcript NM_152594.3 (MANE Select); coding-DNA position 770, G replaced by A.
Protein change: p.Arg257His; replaces arginine 257 with histidine.
Molecular consequence: missense variant.
Genome position (GRCh38, 1-based): chr15:38,351,099, G>A. VCF-style: chr15-38351099-G-A. GRCh37 (hg19) VCF-style: chr15-38643300-G-A.
Other names: c.770G>A (NM_152594.2); short protein forms R257H.
Identifiers: ClinVar variation 1045811 (VCV001045811.11), dbSNP rs750832911, ClinGen allele CA7470187.
Genomic context (GRCh38, chr15:38,351,099, plus strand): 5'-TCAGCTTTCAAGATGAGGATGAGATTGTCAGAATAAACCCTCGAGATATCTTAATACGTC[G>A]CTATGCAGACTACAGACATCCTGACATGTGGAAAAATGACTTGGAAAGAGATGATGCTGA-3'
Protein context (NP_689807.1, residues 247-267): RINPRDILIR[Arg257His]YADYRHPDMW

ClinVar aggregate classification (germline): Uncertain significance. Review status: criteria provided, multiple submitters, no conflicts (2 of 4 stars). 2 submissions from 2 submitters: Uncertain significance (2). Last evaluated 2025-09-22.

Conditions:
Cardiovascular phenotype. Identifiers: MedGen CN230736.
Legius syndrome. Identifiers: Orphanet 137605, MedGen C1969623, MONDO:0012669, OMIM 611431. Disease mechanism: loss of function.

Allele frequency attached by ClinVar (database versions not stated): gnomAD exomes below 0.00001; TOPMed below 0.00001; ExAC 0.00001.
gnomAD v4.1: 5 of 1,613,778 alleles (0.00031%); highest among the groups gnomAD compares: South Asian, 0.0011%; no homozygotes.

Submissions (2):

Ambry Genetics
Classification: Uncertain significance for Cardiovascular phenotype. Last evaluated: 2025-09-22. Review status: criteria provided, single submitter. Criteria: Ambry Variant Classification Scheme 2023. Collection method: clinical testing. Allele origin: germline.
Comment: The c.770G>A (p.R257H) alteration is located in exon 7 (coding exon 7) of the SPRED1 gene. This alteration results from a G to A substitution at nucleotide position 770, causing the arginine (R) at amino acid position 257 to be replaced by a histidine (H). Based on data from gnomAD, the A allele has an overall frequency of <0.001% (1/251106) total alleles studied. The highest observed frequency was 0.003% (1/30606) of South Asian alleles. Based on insufficient or conflicting evidence, the clinical significance of this alteration remains unclear.

Labcorp Genetics (formerly Invitae), Labcorp
Classification: Uncertain significance for Legius syndrome. Last evaluated: 2020-07-20. Review status: criteria provided, single submitter. Criteria: Invitae Variant Classification Sherloc (09022015). Collection method: clinical testing. Allele origin: germline.
Comment: In summary, the available evidence is currently insufficient to determine the role of this variant in disease. Therefore, it has been classified as a Variant of Uncertain Significance. This sequence change replaces arginine with histidine at codon 257 of the SPRED1 protein (p.Arg257His). The arginine residue is highly conserved and there is a small physicochemical difference between arginine and histidine. This variant is present in population databases (rs750832911, ExAC 0.006%). This variant has not been reported in the literature in individuals with SPRED1-related conditions. Algorithms developed to predict the effect of missense changes on protein structure and function are either unavailable or do not agree on the potential impact of this missense change (SIFT: "Tolerated"; PolyPhen-2: "Possibly Damaging"; Align-GVGD: "Class C0").